The following is an entry in ClinVar:

ClinVar aggregate classification (germline): Uncertain significance (1 of 4 stars; one submission).

Conditions:
Inborn genetic diseases. Identifiers: MedGen C0950123, MeSH D030342.

Submission:

Ambry Genetics
Classification: Uncertain significance for Inborn genetic diseases. Last evaluated: 2025-08-24. Review status: criteria provided, single submitter. Criteria: Ambry Variant Classification Scheme 2023. Collection method: clinical testing. Allele origin: germline.
Comment: The p.V609L variant (also known as c.1825G>C), located in coding exon 21 of the RTEL1 gene, results from a G to C substitution at nucleotide position 1825. The valine at codon 609 is replaced by leucine, an amino acid with highly similar properties. This amino acid position is conserved. In addition, the in silico prediction for this alteration is inconclusive. Based on the available evidence, the clinical significance of this variant remains unclear.

NM_001283009.2(RTEL1):c.1825G>C (p.Val609Leu)

Genes: RTEL1 (regulator of telomere elongation helicase 1; plus strand), RTEL1-TNFRSF6B (RTEL1-TNFRSF6B readthrough (NMD candidate); plus strand). Cytogenetic location: 20q13.33.
Variant type: single nucleotide variant.
Coding change: c.1825G>C on transcript NM_001283009.2 (MANE Select); coding-DNA position 1825, G replaced by C.
Protein change: p.Val609Leu; replaces valine 609 with leucine.
Molecular consequence: missense variant. On other transcripts: non-coding transcript variant (1).
Genome position (GRCh38, 1-based): chr20:63,689,079, G>C. VCF-style: chr20-63689079-G-C. GRCh37 (hg19) VCF-style: chr20-62320432-G-C.
Other names: c.1156G>C, p.Val386Leu (NM_001283010.1); c.1825G>C, p.Val609Leu (NM_016434.4); c.1897G>C, p.Val633Leu (NM_032957.5); short protein forms V633L, V386L, V609L.
Identifiers: ClinVar variation 4157696 (VCV004157696.1).
Genomic context (GRCh38, chr20:63,689,079, plus strand): 5'-GGGCTCCAGGCTCAGCCTCACCAACTTTCCTTCCAGACCATCAGTGCTTACTATGCAAGG[G>C]TTGCCGCCCCTGGGTCCACCGGCGCCACCTTCCTGGCGGTCTGCCGGGGCAAGGTGAGCT-3'
Protein context (NP_001269938.1, residues 599-619): SETISAYYAR[Val609Leu]AAPGSTGATF